The following is an entry in ClinVar:

ClinVar aggregate classification (germline): Uncertain significance (1 of 4 stars; one submission).

Conditions:
Gorlin syndrome. Also called: Basal cell nevus syndrome; Nevoid Basal Cell Carcinoma Syndrome. Identifiers: Orphanet 377, MedGen C0004779, MONDO:0007187.

Submission:

Labcorp Genetics (formerly Invitae), Labcorp
Classification: Uncertain significance for Gorlin syndrome. Last evaluated: 2022-02-10. Review status: criteria provided, single submitter. Criteria: Invitae Variant Classification Sherloc (09022015). Collection method: clinical testing. Allele origin: germline.
Comment: In summary, the available evidence is currently insufficient to determine the role of this variant in disease. Therefore, it has been classified as a Variant of Uncertain Significance. Advanced modeling of protein sequence and biophysical properties (such as structural, functional, and spatial information, amino acid conservation, physicochemical variation, residue mobility, and thermodynamic stability) performed at Invitae indicates that this missense variant is not expected to disrupt PTCH1 protein function. This variant has not been reported in the literature in individuals affected with PTCH1-related conditions. This variant is not present in population databases (gnomAD no frequency). This sequence change replaces threonine, which is neutral and polar, with asparagine, which is neutral and polar, at codon 631 of the PTCH1 protein (p.Thr631Asn).

NM_000264.5(PTCH1):c.1892C>A (p.Thr631Asn)

Genes: PTCH1 (patched 1; minus strand), LOC100507346 (uncharacterized LOC100507346; plus strand). Cytogenetic location: 9q22.32.
Variant type: single nucleotide variant.
Coding change: c.1892C>A on transcript NM_000264.5 (MANE Select); coding-DNA position 1892, C replaced by A.
Protein change: p.Thr631Asn; replaces threonine 631 with asparagine.
Molecular consequence: missense variant. On other transcripts: non-coding transcript variant (2).
Genome position (GRCh38, 1-based): chr9:95,469,109, G>T on the plus strand (C>A on the coding strand, the complement: PTCH1 is on the minus strand). VCF-style: chr9-95469109-G-T. GRCh37 (hg19) VCF-style: chr9-98231391-G-T.
Other names: c.1694C>A, p.Thr565Asn (NM_001083602.3); c.1889C>A, p.Thr630Asn (NM_001083603.3); c.1439C>A, p.Thr480Asn (NM_001083604.3, NM_001083605.3, NM_001083606.3 and 1 more transcripts); c.1736C>A, p.Thr579Asn (NM_001354918.2); short protein forms T480N, T579N, T630N, T631N, T565N.
Identifiers: ClinVar variation 2095914 (VCV002095914.4), dbSNP rs727504112, ClinGen allele CA374116101.